The following is an entry in ClinVar:

NM_001844.5(COL2A1):c.3413T>A (p.Leu1138Gln)

Gene: COL2A1 (collagen type II alpha 1 chain; minus strand). Cytogenetic location: 12q13.11.
Variant type: single nucleotide variant.
Coding change: c.3413T>A on transcript NM_001844.5 (MANE Select); coding-DNA position 3413, T replaced by A.
Protein change: p.Leu1138Gln; replaces leucine 1138 with glutamine.
Molecular consequence: missense variant.
Genome position (GRCh38, 1-based): chr12:47,976,834, A>T on the plus strand (T>A on the coding strand, the complement: COL2A1 is on the minus strand). VCF-style: chr12-47976834-A-T. GRCh37 (hg19) VCF-style: chr12-48370617-A-T.
Other names: c.3206T>A, p.Leu1069Gln (NM_033150.3); short protein forms L1138Q, L1069Q.
Identifiers: ClinVar variation 2803067 (VCV002803067.3), dbSNP rs2540105628, ClinGen allele CA384538733.

ClinVar aggregate classification (germline): Uncertain significance (1 of 4 stars; one submission).

Allele frequency attached by ClinVar (database versions not stated): gnomAD exomes below 0.00001.
gnomAD v4.1: 3 of 1,613,434 alleles (0.00019%); highest among the groups gnomAD compares: Non-Finnish European, 0.00017%; no homozygotes.

Submission:

Labcorp Genetics (formerly Invitae), Labcorp
Classification: Uncertain significance. Last evaluated: 2023-03-26. Review status: criteria provided, single submitter. Criteria: Invitae Variant Classification Sherloc (09022015). Collection method: clinical testing. Allele origin: germline.
Comment: This variant is not present in population databases (gnomAD no frequency). This sequence change replaces leucine, which is neutral and non-polar, with glutamine, which is neutral and polar, at codon 1138 of the COL2A1 protein (p.Leu1138Gln). This variant has not been reported in the literature in individuals affected with COL2A1-related conditions. In summary, the available evidence is currently insufficient to determine the role of this variant in disease. Therefore, it has been classified as a Variant of Uncertain Significance. Algorithms developed to predict the effect of sequence changes on RNA splicing suggest that this variant may create or strengthen a splice site. Advanced modeling of protein sequence and biophysical properties (such as structural, functional, and spatial information, amino acid conservation, physicochemical variation, residue mobility, and thermodynamic stability) has been performed at Invitae for this missense variant, however the output from this modeling did not meet the statistical confidence thresholds required to predict the impact of this variant on COL2A1 protein function.